The following is an entry in ClinVar:

ClinVar aggregate classification (germline): Pathogenic (1 of 4 stars; one submission).

Conditions:
Fetal akinesia deformation sequence 1 (FADS1). Also called: Pena-Shokeir syndrome type I; Fetal akinesia sequence. Identifiers: Orphanet 994, MedGen C1276035, MONDO:0100101, OMIM 208150, HP:0001989.
Congenital myasthenic syndrome 9. Also called: Myasthenic syndrome, congenital, 9, associated with acetylcholine receptor deficiency. Identifiers: Orphanet 590, MedGen C4225368, MONDO:0014587, OMIM 616325.

Submission:

Labcorp Genetics (formerly Invitae), Labcorp
Classification: Pathogenic for Congenital myasthenic syndrome 9; Fetal akinesia deformation sequence 1. Last evaluated: 2023-10-23. Review status: criteria provided, single submitter. Criteria: Invitae Variant Classification Sherloc (09022015). Collection method: clinical testing. Allele origin: germline.
Comment: This sequence change creates a premature translational stop signal (p.Cys731Serfs*9) in the MUSK gene. While this is not anticipated to result in nonsense mediated decay, it is expected to disrupt the last 139 amino acid(s) of the MUSK protein. This variant is not present in population databases (gnomAD no frequency). This variant has not been reported in the literature in individuals affected with MUSK-related conditions. This variant disrupts a region of the MUSK protein in which other variant(s) ( p.Val790Met) have been determined to be pathogenic (PMID: 15496425, 23326516, 24122059, 30429133). This suggests that this is a clinically significant region of the protein, and that variants that disrupt it are likely to be disease-causing. For these reasons, this variant has been classified as Pathogenic.

Literature cited by the submitters: PubMed 15496425; PubMed 23326516; PubMed 24122059; PubMed 30429133.

NM_005592.4(MUSK):c.2192del (p.Cys731fs)

Gene: MUSK (muscle associated receptor tyrosine kinase; plus strand). Cytogenetic location: 9q31.3.
Variant type: Deletion.
Coding change: c.2192del on transcript NM_005592.4 (MANE Select); coding-DNA position 2192, one base deleted (G; older notation c.2192delG).
Protein change: p.Cys731fs; shifts the reading frame from cysteine 731.
Molecular consequence: frameshift variant.
Genome position (GRCh38, 1-based): chr9:110,800,570, G deleted. VCF-style (leftmost placement, unchanged base first): chr9-110800569-TG-T. GRCh37 (hg19) VCF-style: chr9-113562849-TG-T.
Other names: c.1934del, p.Cys645fs (NM_001166280.2); c.1904del, p.Cys635fs (NM_001166281.2); c.932del, p.Cys311fs (NM_001369398.1); short protein forms C645fs, C635fs, C731fs, C311fs.
Identifiers: ClinVar variation 2953223 (VCV002953223.3), dbSNP rs2491211300, ClinGen allele CA2740095564.